The following is an entry in ClinVar:

ClinVar aggregate classification (germline): Uncertain significance (1 of 4 stars; one submission).

Conditions:
Neuronal ceroid lipofuscinosis 1 (CLN1). Also called: CEROID LIPOFUSCINOSIS, NEURONAL, 1, VARIABLE AGE AT ONSET; PPT1-Related Neuronal Ceroid-Lipofuscinosis. Identifiers: Orphanet 228329, MedGen C1850451, MONDO:0009744, OMIM 256730.

gnomAD v4.1: 2 of 1,614,008 alleles (0.00012%); highest among the groups gnomAD compares: East Asian, 0.0045%; no homozygotes.

Submission:

Labcorp Genetics (formerly Invitae), Labcorp
Classification: Uncertain significance for Neuronal ceroid lipofuscinosis 1. Last evaluated: 2022-07-05. Review status: criteria provided, single submitter. Criteria: Invitae Variant Classification Sherloc (09022015). Collection method: clinical testing. Allele origin: germline.
Comment: This sequence change replaces arginine, which is basic and polar, with glycine, which is neutral and non-polar, at codon 151 of the PPT1 protein (p.Arg151Gly). This variant is present in population databases (rs137852700, gnomAD 0.02%). This variant has not been reported in the literature in individuals affected with PPT1-related conditions. ClinVar contains an entry for this variant (Variation ID: 1431385). Advanced modeling of protein sequence and biophysical properties (such as structural, functional, and spatial information, amino acid conservation, physicochemical variation, residue mobility, and thermodynamic stability) performed at Invitae indicates that this missense variant is expected to disrupt PPT1 protein function. In summary, the available evidence is currently insufficient to determine the role of this variant in disease. Therefore, it has been classified as a Variant of Uncertain Significance.

NM_000310.4(PPT1):c.451C>G (p.Arg151Gly)

Gene: PPT1 (palmitoyl-protein thioesterase 1; minus strand). Cytogenetic location: 1p34.2.
Variant type: single nucleotide variant.
Coding change: c.451C>G on transcript NM_000310.4 (MANE Select); coding-DNA position 451, C replaced by G.
Protein change: p.Arg151Gly; replaces arginine 151 with glycine.
Molecular consequence: missense variant.
Genome position (GRCh38, 1-based): chr1:40,089,495, G>C on the plus strand (C>G on the coding strand, the complement: PPT1 is on the minus strand). VCF-style: chr1-40089495-G-C. GRCh37 (hg19) VCF-style: chr1-40555167-G-C.
Other names: c.142C>G, p.Arg48Gly (NM_001142604.2); c.451C>G, p.Arg151Gly (NM_001363695.2); short protein forms R48G, R151G.
Identifiers: ClinVar variation 1431385 (VCV001431385.3), dbSNP rs137852700, ClinGen allele CA789686.